The following is an entry in ClinVar:

ClinVar aggregate classification (germline): Uncertain significance. Review status: criteria provided, multiple submitters, no conflicts (2 of 4 stars). 2 submissions from 2 submitters: Uncertain significance (2). Last evaluated 2025-04-21.

Conditions:
Inborn genetic diseases. Identifiers: MedGen C0950123, MeSH D030342.

Allele frequency attached by ClinVar (database versions not stated): gnomAD exomes 0.00021; TOPMed 0.00012; ExAC 0.00009; gnomAD 0.00011.
gnomAD v4.1: 317 of 1,614,054 alleles (0.02%); highest among the groups gnomAD compares: Non-Finnish European, 0.025%; 1 homozygote.

Submissions (2):

Women's Health and Genetics/Laboratory Corporation of America, LabCorp
Classification: Uncertain significance. Last evaluated: 2025-04-21. Review status: criteria provided, single submitter. Criteria: LabCorp Variant Classification Summary - May 2015. Collection method: clinical testing. Allele origin: germline.
Comment: Variant summary: TRMT1 c.125G>A (p.Gly42Glu) results in a non-conservative amino acid change in the encoded protein sequence. Four of five in-silico tools predict a benign effect of the variant on protein function. The variant allele was found at a frequency of 0.00013 in 251246 control chromosomes, predominantly at a frequency of 0.00022 within the Non-Finnish European subpopulation in the gnomAD database. This frequency is not significantly higher than estimated for a pathogenic variant in TRMT1 causing Intellectual Developmental Disorder, Autosomal Recessive 68, allowing no conclusion about variant significance. To our knowledge, no occurrence of c.125G>A in individuals affected with Intellectual Developmental Disorder, Autosomal Recessive 68 and no experimental evidence demonstrating its impact on protein function have been reported. ClinVar contains an entry for this variant (Variation ID: 2355347). Based on the evidence outlined above, the variant was classified as uncertain significance.

Ambry Genetics
Classification: Uncertain significance for Inborn genetic diseases. Last evaluated: 2025-03-07. Review status: criteria provided, single submitter. Criteria: Ambry Variant Classification Scheme 2023. Collection method: clinical testing. Allele origin: germline.

NM_001136035.4(TRMT1):c.125G>A (p.Gly42Glu)

Gene: TRMT1 (tRNA methyltransferase 1; minus strand). Cytogenetic location: 19p13.13.
Variant type: single nucleotide variant.
Coding change: c.125G>A on transcript NM_001136035.4 (MANE Select); coding-DNA position 125, G replaced by A.
Protein change: p.Gly42Glu; replaces glycine 42 with glutamic acid.
Molecular consequence: missense variant. On other transcripts: 5 prime UTR variant (1).
Genome position (GRCh38, 1-based): chr19:13,116,275, C>T on the plus strand (G>A on the coding strand, the complement: TRMT1 is on the minus strand). VCF-style: chr19-13116275-C-T. GRCh37 (hg19) VCF-style: chr19-13227089-C-T.
Other names: c.125G>A, p.Gly42Glu (NM_001142554.3, NM_001351760.2, NM_017722.5); c.17G>A, p.Gly6Glu (NM_001351761.2); c.-739G>A (NM_001351762.2); short protein forms G6E, G42E.
Identifiers: ClinVar variation 2355347 (VCV002355347.6), dbSNP rs200648030, ClinGen allele CA9238156.